The following is an entry in ClinVar:

NM_024589.3(ROGDI):c.572A>C (p.Asn191Thr)

Gene: ROGDI (rogdi atypical leucine zipper; minus strand). Cytogenetic location: 16p13.3.
Variant type: single nucleotide variant.
Coding change: c.572A>C on transcript NM_024589.3 (MANE Select); coding-DNA position 572, A replaced by C.
Protein change: p.Asn191Thr; replaces asparagine 191 with threonine.
Molecular consequence: missense variant. On other transcripts: non-coding transcript variant (1).
Genome position (GRCh38, 1-based): chr16:4,798,144, T>G on the plus strand (A>C on the coding strand, the complement: ROGDI is on the minus strand). VCF-style: chr16-4798144-T-G. GRCh37 (hg19) VCF-style: chr16-4848145-T-G.
Other names: short protein forms N191T.
Identifiers: ClinVar variation 1375358 (VCV001375358.5), dbSNP rs965246266, ClinGen allele CA394650465.
Genomic context (GRCh38, chr16:4,798,144, plus strand): 5'-GGCTGCAGGGCATGCAGCTGGTACACCGTGAGGCAGAGCTTGTTGAGGTTGATGTAGACG[T>G]TGACCAGCAGGTCGGACGGCAGGGCAGGGGCGAACATCCGCTGCGGGAGGCAGGTGGGAT-3'
Protein context (NP_078865.1, residues 181-201): APALPSDLLV[Asn191Thr]VYINLNKLCL

ClinVar aggregate classification (germline): Uncertain significance (1 of 4 stars; one submission).

Conditions:
Amelocerebrohypohidrotic syndrome (KTZS). Also called: Kohlschutter's syndrome; EPILEPSY AND YELLOW TEETH; EPILEPSY, DEMENTIA, AND AMELOGENESIS IMPERFECTA; KOHLSCHUTTER SYNDROME. Identifiers: Orphanet 1946, MedGen C0406740, MONDO:0009185, OMIM 226750.

Allele frequency attached by ClinVar (database versions not stated): gnomAD exomes below 0.00001 and 0.00001; TOPMed 0.00002; gnomAD 0.00003.
gnomAD v4.1: 21 of 1,613,858 alleles (0.0013%); highest among the groups gnomAD compares: Non-Finnish European, 0.0018%; no homozygotes.

Submission:

Labcorp Genetics (formerly Invitae), Labcorp
Classification: Uncertain significance for Amelocerebrohypohidrotic syndrome. Last evaluated: 2024-10-24. Review status: criteria provided, single submitter. Criteria: Invitae Variant Classification Sherloc (09022015). Collection method: clinical testing. Allele origin: germline.
Comment: This sequence change replaces asparagine, which is neutral and polar, with threonine, which is neutral and polar, at codon 191 of the ROGDI protein (p.Asn191Thr). This variant is present in population databases (no rsID available, gnomAD 0.002%). This variant has not been reported in the literature in individuals affected with ROGDI-related conditions. ClinVar contains an entry for this variant (Variation ID: 1375358). An algorithm developed to predict the effect of missense changes on protein structure and function (PolyPhen-2) suggests that this variant is likely to be disruptive. In summary, the available evidence is currently insufficient to determine the role of this variant in disease. Therefore, it has been classified as a Variant of Uncertain Significance.